The following is an entry in ClinVar:

NM_001904.4(CTNNB1):c.580A>C (p.Met194Leu)

Genes: CTNNB1 (catenin beta 1; plus strand), LOC126806658 (BRD4-independent group 4 enhancer GRCh37_chr3:41265899-41267098; plus strand). Cytogenetic location: 3p22.1.
Variant type: single nucleotide variant.
Coding change: c.580A>C on transcript NM_001904.4 (MANE Select); coding-DNA position 580, A replaced by C.
Protein change: p.Met194Leu; replaces methionine 194 with leucine.
Molecular consequence: missense variant.
Genome position (GRCh38, 1-based): chr3:41,225,418, A>C. VCF-style: chr3-41225418-A-C. GRCh37 (hg19) VCF-style: chr3-41266909-A-C.
Other names: c.580A>C, p.Met194Leu (NM_001098209.2, NM_001098210.2); c.559A>C, p.Met187Leu (NM_001330729.2); short protein forms M194L, M187L.
Identifiers: ClinVar variation 2117090 (VCV002117090.4), dbSNP rs2125622674, ClinGen allele CA352229625.

ClinVar aggregate classification (germline): Uncertain significance (1 of 4 stars; one submission).

Allele frequency attached by ClinVar (database versions not stated): gnomAD exomes below 0.00001.

Submission:

Labcorp Genetics (formerly Invitae), Labcorp
Classification: Uncertain significance. Last evaluated: 2022-06-03. Review status: criteria provided, single submitter. Criteria: Invitae Variant Classification Sherloc (09022015). Collection method: clinical testing. Allele origin: germline.
Comment: In summary, the available evidence is currently insufficient to determine the role of this variant in disease. Therefore, it has been classified as a Variant of Uncertain Significance. Algorithms developed to predict the effect of missense changes on protein structure and function (SIFT, PolyPhen-2, Align-GVGD) all suggest that this variant is likely to be tolerated. This variant has not been reported in the literature in individuals affected with CTNNB1-related conditions. This variant is not present in population databases (gnomAD no frequency). This sequence change replaces methionine, which is neutral and non-polar, with leucine, which is neutral and non-polar, at codon 194 of the CTNNB1 protein (p.Met194Leu).